The following is an entry in ClinVar:

ClinVar aggregate classification (germline): Benign/Likely benign. Review status: criteria provided, multiple submitters, no conflicts (2 of 4 stars). 5 submissions from 5 submitters: Benign (3); Likely benign (1). 1 of the submissions does not count toward it. Last evaluated 2026-01-28.

Conditions:
RTTN-related disorder. Also called: RTTN-related condition.

Allele frequency attached by ClinVar (database versions not stated): gnomAD exomes 0.00135; ExAC 0.00159; ESP Exome Variant Server 0.00481; gnomAD 0.00512 and 0.00547; TOPMed 0.00540; 1000 Genomes Project 30x 0.00609; 1000 Genomes Project 0.00619.
gnomAD v4.1: 1,601 of 1,605,808 alleles (0.1%); highest among the groups gnomAD compares: African/African-American, 1.8%; 12 homozygotes.

Submissions (7):

Labcorp Genetics (formerly Invitae), Labcorp
Classification: Benign. Last evaluated: 2026-01-28. Review status: criteria provided, single submitter. Criteria: Invitae Variant Classification Sherloc (09022015). Collection method: clinical testing. Allele origin: germline.

Genomic Medicine Center of Excellence, King Faisal Specialist Hospital and Research Centre
Classification: Likely benign. Last evaluated: 2025-08-18. Review status: criteria provided, single submitter. Criteria: ACMG Guidelines, 2015. Collection method: clinical testing. Allele origin: germline.

GeneDx
Classification: Benign. Last evaluated: 2018-11-29. Review status: criteria provided, single submitter. Criteria: GeneDx Variant Classification Process June 2021. Collection method: clinical testing. Allele origin: germline. Affected: yes.

Breakthrough Genomics
Classification: Benign. Review status: criteria provided, single submitter. Criteria: ACMG Guidelines, 2015. Collection method: not provided. Allele origin: germline. Inheritance: Autosomal recessive inheritance. Affected: yes.

PreventionGenetics, part of Exact Sciences
Classification: Benign for RTTN-related condition. Last evaluated: 2019-04-12. Review status: no assertion criteria provided. Collection method: clinical testing. Allele origin: germline. Not counted in ClinVar's aggregate classification.
Comment: This variant is classified as benign based on ACMG/AMP sequence variant interpretation guidelines (Richards et al. 2015 PMID: 25741868, with internal and published modifications).

Dr. Peter K. Rogan Lab, Western University
No classification provided (evidence only). Condition: Familial cancer of breast. Review status: no classification provided. Collection method: in vitro. Allele origin: not applicable. Functional consequence: retained intron. Not counted in ClinVar's aggregate classification.

Dr. Peter K. Rogan Lab, Western University
No classification provided (evidence only). Condition: Familial cancer of breast. Review status: no classification provided. Collection method: in vitro. Allele origin: not applicable. Functional consequence: retained intron. Not counted in ClinVar's aggregate classification.

NM_173630.4(RTTN):c.694-9T>G

Gene: RTTN (rotatin; minus strand). Cytogenetic location: 18q22.2.
Variant type: single nucleotide variant.
Coding change: c.694-9T>G on transcript NM_173630.4 (MANE Select); 9 bases into the intron before coding-DNA position 694, T replaced by G.
Molecular consequence: intron variant.
Genome position (GRCh38, 1-based): chr18:70,196,657, A>C on the plus strand (T>G on the coding strand, the complement: RTTN is on the minus strand). VCF-style: chr18-70196657-A-C. GRCh37 (hg19) VCF-style: chr18-67863893-A-C.
Other names: c.-1860-9T>G (NM_001318520.2).
Identifiers: ClinVar variation 380938 (VCV000380938.18), dbSNP rs150733272, ClinGen allele CA8996390.